The following is an entry in ClinVar:

NM_003922.4(HERC1):c.3749A>G (p.Asp1250Gly)

Gene: HERC1 (HECT and RLD domain containing E3 ubiquitin protein ligase family member 1; minus strand). Cytogenetic location: 15q22.31.
Variant type: single nucleotide variant.
Coding change: c.3749A>G on transcript NM_003922.4 (MANE Select); coding-DNA position 3749, A replaced by G.
Protein change: p.Asp1250Gly; replaces aspartic acid 1250 with glycine.
Molecular consequence: missense variant.
Genome position (GRCh38, 1-based): chr15:63,718,891, T>C on the plus strand (A>G on the coding strand, the complement: HERC1 is on the minus strand). VCF-style: chr15-63718891-T-C. GRCh37 (hg19) VCF-style: chr15-64011090-T-C.
Other names: short protein forms D1250G.
Identifiers: ClinVar variation 1804379 (VCV001804379.2), dbSNP rs1459425253, ClinGen allele CA392755273.

ClinVar aggregate classification (germline): Uncertain significance. Review status: criteria provided, multiple submitters, no conflicts (2 of 4 stars). 2 submissions from 2 submitters: Uncertain significance (2). Last evaluated 2024-02-28.

Conditions:
Inborn genetic diseases. Identifiers: MedGen C0950123, MeSH D030342.

Allele frequency attached by ClinVar (database versions not stated): gnomAD exomes 0.00001; TOPMed 0.00001.
gnomAD v4.1: 21 of 1,591,470 alleles (0.0013%); highest among the groups gnomAD compares: Non-Finnish European, 0.0017%; no homozygotes.

Submissions (2):

Ambry Genetics
Classification: Uncertain significance for Inborn genetic diseases. Last evaluated: 2024-02-28. Review status: criteria provided, single submitter. Criteria: Ambry Variant Classification Scheme 2023. Collection method: clinical testing. Allele origin: germline.

GeneDx
Classification: Uncertain significance. Last evaluated: 2022-06-14. Review status: criteria provided, single submitter. Criteria: GeneDx Variant Classification Process June 2021. Collection method: clinical testing. Allele origin: germline. Affected: yes.
Comment: Not observed at significant frequency in large population cohorts (gnomAD); In silico analysis supports that this missense variant has a deleterious effect on protein structure/function; Has not been previously published as pathogenic or benign to our knowledge